The following is an entry in ClinVar:

NM_000843.4(GRM6):c.*128G>A

Genes: GRM6 (glutamate metabotropic receptor 6; minus strand), ZNF454 (zinc finger protein 454; plus strand). Cytogenetic location: 5q35.3.
Variant type: single nucleotide variant.
Coding change: c.*128G>A on transcript NM_000843.4 (MANE Select); 128 bases downstream of the stop codon, G replaced by A.
Molecular consequence: 3 prime UTR variant.
Genome position (GRCh38, 1-based): chr5:178,981,529, C>T on the plus strand (G>A on the coding strand, the complement: GRM6 is on the minus strand). VCF-style: chr5-178981529-C-T. GRCh37 (hg19) VCF-style: chr5-178408530-C-T.
Identifiers: ClinVar variation 1707172 (VCV001707172.2), dbSNP rs114396608, ClinGen allele CA133016144.

ClinVar aggregate classification (germline): Likely benign (1 of 4 stars; one submission).

Allele frequency attached by ClinVar (database versions not stated): TOPMed 0.02208; 1000 Genomes Project 30x 0.02342; 1000 Genomes Project 0.02376; gnomAD 0.02531.
gnomAD v4.1: 22,871 of 705,758 alleles (3.2%); highest among the groups gnomAD compares: South Asian, 8%; 543 homozygotes.

Submission:

GeneDx
Classification: Likely benign. Last evaluated: 2020-08-28. Review status: criteria provided, single submitter. Criteria: GeneDx Variant Classification Process June 2021. Collection method: clinical testing. Allele origin: germline. Affected: yes.
Comment: See Variant Classification Assertion Criteria.